The following is an entry in ClinVar:

ClinVar aggregate classification (germline): Uncertain significance (1 of 4 stars; one submission).

Submission:

GeneDx
Classification: Uncertain significance. Last evaluated: 2019-08-13. Review status: criteria provided, single submitter. Criteria: GeneDx Variant Classification Process June 2021. Collection method: clinical testing. Allele origin: germline. Affected: yes.
Comment: Not observed in large population cohorts (Lek et al., 2016); Frameshift variant predicted to result in protein truncation as the last 5 amino acids are lost and replaced with 9 incorrect amino acids, although loss-of-function variants have not been reported downstream of this position in the protein; Has not been previously published as pathogenic or benign to our knowledge; Variants in candidate genes are classified as variants of uncertain significance in accordance with ACMG guidelines (Richards et al., 2015)

NM_012281.3(KCND2):c.1878_1879del (p.Arg626fs)

Gene: KCND2 (potassium voltage-gated channel subfamily D member 2; plus strand). Cytogenetic location: 7q31.31.
Variant type: Microsatellite.
Coding change: c.1878_1879del on transcript NM_012281.3 (MANE Select); coding-DNA positions 1878 to 1879, 2 bases deleted (AG; older notation c.1878_1879delAG).
Protein change: p.Arg626fs; shifts the reading frame from arginine 626.
Molecular consequence: frameshift variant.
Genome position (GRCh38, 1-based): chr7:120,747,843-120,747,844, AG deleted; deleting any 2 consecutive bases within chr7:120,747,841-120,747,844 gives the same sequence; the c. name uses the placement nearest the transcript's 3' end. VCF-style (leftmost placement, unchanged base first): chr7-120747840-CAG-C. GRCh37 (hg19) VCF-style: chr7-120387894-CAG-C.
Other names: short protein forms R626fs.
Identifiers: ClinVar variation 1307640 (VCV001307640.2), dbSNP rs2116195958, ClinGen allele CA2580614251.